The following is an entry in ClinVar:

NM_000836.4(GRIN2D):c.523A>G (p.Ile175Val)

Gene: GRIN2D (glutamate ionotropic receptor NMDA type subunit 2D; plus strand). Cytogenetic location: 19q13.33.
Variant type: single nucleotide variant.
Coding change: c.523A>G on transcript NM_000836.4 (MANE Select); coding-DNA position 523, A replaced by G.
Protein change: p.Ile175Val; replaces isoleucine 175 with valine.
Molecular consequence: missense variant.
Genome position (GRCh38, 1-based): chr19:48,404,791, A>G. VCF-style: chr19-48404791-A-G. GRCh37 (hg19) VCF-style: chr19-48908048-A-G.
Other names: short protein forms I175V.
Identifiers: ClinVar variation 2053635 (VCV002053635.4), dbSNP rs994312324, ClinGen allele CA309331013.
Genomic context (GRCh38, chr19:48,404,791, plus strand): 5'-CAGGAGAAGGGCTCCACCTTCCTGCAGCTGGGCTCTTCCACCGAGCAACAGCTTCAGGTC[A>G]TCTTTGAGGTGCTGGAGGAGTATGACTGGACGTCCTTTGTAGCCGTGACCACTCGTGCCC-3'
Protein context (NP_000827.2, residues 165-185): GSSTEQQLQV[Ile175Val]FEVLEEYDWT

ClinVar aggregate classification (germline): Uncertain significance (1 of 4 stars; one submission).

Allele frequency attached by ClinVar (database versions not stated): TOPMed 0.00001; gnomAD 0.00001.
gnomAD v4.1: 1 of 1,613,842 alleles (0.000062%); highest among the groups gnomAD compares: African/African-American, 0.0013%; no homozygotes.

Submission:

Labcorp Genetics (formerly Invitae), Labcorp
Classification: Uncertain significance. Last evaluated: 2025-06-10. Review status: criteria provided, single submitter. Criteria: Invitae Variant Classification Sherloc (09022015). Collection method: clinical testing. Allele origin: germline.
Comment: This sequence change replaces isoleucine, which is neutral and non-polar, with valine, which is neutral and non-polar, at codon 175 of the GRIN2D protein (p.Ile175Val). This variant is not present in population databases (gnomAD no frequency). This variant has not been reported in the literature in individuals affected with GRIN2D-related conditions. ClinVar contains an entry for this variant (Variation ID: 2053635). Invitae Evidence Modeling of protein sequence and biophysical properties (such as structural, functional, and spatial information, amino acid conservation, physicochemical variation, residue mobility, and thermodynamic stability) indicates that this missense variant is not expected to disrupt GRIN2D protein function with a negative predictive value of 80%. In summary, the available evidence is currently insufficient to determine the role of this variant in disease. Therefore, it has been classified as a Variant of Uncertain Significance.